The following is an entry in ClinVar:

ClinVar aggregate classification (germline): Uncertain significance (1 of 4 stars; one submission).

Conditions:
RASopathy. Also called: Noonan spectrum disorder; rasopathies. Identifiers: Orphanet 536391, MedGen C5555857, MONDO:0021060.

Allele frequency attached by ClinVar (database versions not stated): ExAC 0.00001; gnomAD exomes below 0.00001.
gnomAD v4.1: 2 of 1,614,022 alleles (0.00012%); highest among the groups gnomAD compares: Non-Finnish European, 0.00017%; no homozygotes.

Submission:

Labcorp Genetics (formerly Invitae), Labcorp
Classification: Uncertain significance for RASopathy. Last evaluated: 2022-05-01. Review status: criteria provided, single submitter. Criteria: Invitae Variant Classification Sherloc (09022015). Collection method: clinical testing. Allele origin: germline.
Comment: In summary, the available evidence is currently insufficient to determine the role of this variant in disease. Therefore, it has been classified as a Variant of Uncertain Significance. Advanced modeling of protein sequence and biophysical properties (such as structural, functional, and spatial information, amino acid conservation, physicochemical variation, residue mobility, and thermodynamic stability) performed at Invitae indicates that this missense variant is not expected to disrupt MAP2K1 protein function. This variant has not been reported in the literature in individuals affected with MAP2K1-related conditions. This variant is present in population databases (rs767650713, gnomAD 0.0009%). This sequence change replaces aspartic acid, which is acidic and polar, with glutamic acid, which is acidic and polar, at codon 336 of the MAP2K1 protein (p.Asp336Glu).

NM_002755.4(MAP2K1):c.1008T>G (p.Asp336Glu)

Gene: MAP2K1 (mitogen-activated protein kinase kinase 1; plus strand). Cytogenetic location: 15q22.31.
Variant type: single nucleotide variant.
Coding change: c.1008T>G on transcript NM_002755.4 (MANE Select); coding-DNA position 1008, T replaced by G.
Protein change: p.Asp336Glu; replaces aspartic acid 336 with glutamic acid.
Molecular consequence: missense variant.
Genome position (GRCh38, 1-based): chr15:66,489,262, T>G. VCF-style: chr15-66489262-T-G. GRCh37 (hg19) VCF-style: chr15-66781600-T-G.
Other names: c.864T>G, p.Asp288Glu (NM_001411065.1); short protein forms D288E, D336E.
Identifiers: ClinVar variation 2079598 (VCV002079598.4), dbSNP rs767650713, ClinGen allele CA7624076.